The following is an entry in ClinVar:

ClinVar aggregate classification (germline): Benign. Review status: criteria provided, single submitter (1 of 4 stars). 2 submissions from 2 submitters: Benign (1). 1 of the submissions does not count toward it. Last evaluated 2025-06-12.

Conditions:
EBP-related disorder. Also called: EBP-related condition.

Allele frequency attached by ClinVar (database versions not stated): ExAC 0.00010; gnomAD exomes 0.00005; gnomAD 0.00001.

Submissions (2):

Labcorp Genetics (formerly Invitae), Labcorp
Classification: Benign. Last evaluated: 2025-06-12. Review status: criteria provided, single submitter. Criteria: Invitae Variant Classification Sherloc (09022015). Collection method: clinical testing. Allele origin: germline.

PreventionGenetics, part of Exact Sciences
Classification: Likely benign for EBP-related condition. Last evaluated: 2023-05-20. Review status: no assertion criteria provided. Collection method: clinical testing. Allele origin: germline. Not counted in ClinVar's aggregate classification.
Comment: This variant is classified as likely benign based on ACMG/AMP sequence variant interpretation guidelines (Richards et al. 2015 PMID: 25741868, with internal and published modifications).

NM_006579.3(EBP):c.130G>A (p.Val44Met)

Gene: EBP (EBP cholestenol delta-isomerase; plus strand). Cytogenetic location: Xp11.23.
Variant type: single nucleotide variant.
Coding change: c.130G>A on transcript NM_006579.3 (MANE Select); coding-DNA position 130, G replaced by A.
Protein change: p.Val44Met; replaces valine 44 with methionine.
Molecular consequence: missense variant.
Genome position (GRCh38, 1-based): chrX:48,523,901, G>A. VCF-style: chrX-48523901-G-A. GRCh37 (hg19) VCF-style: chrX-48382289-G-A.
Other names: c.130G>A (NM_006579.2); short protein forms V44M.
Identifiers: ClinVar variation 3015720 (VCV003015720.5), dbSNP rs782736490, ClinGen allele CA10402975.